The following is an entry in ClinVar:

NM_002755.4(MAP2K1):c.283G>T (p.Ala95Ser)

Gene: MAP2K1 (mitogen-activated protein kinase kinase 1; plus strand). Cytogenetic location: 15q22.31.
Variant type: single nucleotide variant.
Coding change: c.283G>T on transcript NM_002755.4 (MANE Select); coding-DNA position 283, G replaced by T.
Protein change: p.Ala95Ser; replaces alanine 95 with serine.
Molecular consequence: missense variant.
Genome position (GRCh38, 1-based): chr15:66,435,229, G>T. VCF-style: chr15-66435229-G-T. GRCh37 (hg19) VCF-style: chr15-66727567-G-T.
Other names: c.217G>T, p.Ala73Ser (NM_001411065.1); short protein forms A73S, A95S.
Identifiers: ClinVar variation 3692467 (VCV003692467.2).

ClinVar aggregate classification (germline): Uncertain significance (1 of 4 stars; one submission).

Conditions:
RASopathy. Also called: rasopathies; Noonan spectrum disorder. Identifiers: Orphanet 536391, MedGen C5555857, MONDO:0021060.

Submission:

Labcorp Genetics (formerly Invitae), Labcorp
Classification: Uncertain significance for RASopathy. Last evaluated: 2024-03-03. Review status: criteria provided, single submitter. Criteria: Invitae Variant Classification Sherloc (09022015). Collection method: clinical testing. Allele origin: germline.
Comment: This sequence change replaces alanine, which is neutral and non-polar, with serine, which is neutral and polar, at codon 95 of the MAP2K1 protein (p.Ala95Ser). This variant is not present in population databases (gnomAD no frequency). This variant has not been reported in the literature in individuals affected with MAP2K1-related conditions. Advanced modeling of protein sequence and biophysical properties (such as structural, functional, and spatial information, amino acid conservation, physicochemical variation, residue mobility, and thermodynamic stability) performed at Invitae indicates that this missense variant is expected to disrupt MAP2K1 protein function with a positive predictive value of 80%. In summary, the available evidence is currently insufficient to determine the role of this variant in disease. Therefore, it has been classified as a Variant of Uncertain Significance.